The following is an entry in ClinVar:

NM_001174089.2(SLC4A11):c.1115T>C (p.Leu372Pro)

Gene: SLC4A11 (solute carrier family 4 member 11; minus strand). Cytogenetic location: 20p13.
Variant type: single nucleotide variant.
Coding change: c.1115T>C on transcript NM_001174089.2 (MANE Select); coding-DNA position 1115, T replaced by C.
Protein change: p.Leu372Pro; replaces leucine 372 with proline.
Molecular consequence: missense variant. On other transcripts: non-coding transcript variant (1).
Genome position (GRCh38, 1-based): chr20:3,230,986, A>G on the plus strand (T>C on the coding strand, the complement: SLC4A11 is on the minus strand). VCF-style: chr20-3230986-A-G. GRCh37 (hg19) VCF-style: chr20-3211632-A-G.
Other names: c.1244T>C, p.Leu415Pro (NM_001174090.2); c.1115T>C, p.Leu372Pro (NM_001363745.2); c.1163T>C, p.Leu388Pro (NM_032034.4); short protein forms L372P, L388P, L415P.
Identifiers: ClinVar variation 1328748 (VCV001328748.3), dbSNP rs2122549747, ClinGen allele CA408089193.

ClinVar aggregate classification (germline): Uncertain significance (1 of 4 stars; one submission).

Submission:

GeneDx
Classification: Uncertain significance. Last evaluated: 2025-05-19. Review status: criteria provided, single submitter. Criteria: GeneDx Variant Classification Process June 2021. Collection method: clinical testing. Allele origin: germline. Affected: yes.
Comment: Not observed at significant frequency in large population cohorts (gnomAD); In silico analysis supports that this missense variant has a deleterious effect on protein structure/function; Has not been previously published as pathogenic or benign to our knowledge